The following is an entry in ClinVar:

NM_197968.4(ZMYM2):c.2727dup (p.Val910fs)

Gene: ZMYM2 (zinc finger MYM-type containing 2; plus strand). Cytogenetic location: 13q12.11.
Variant type: Duplication.
Coding change: c.2727dup on transcript NM_197968.4 (MANE Select); coding-DNA position 2727, one base duplicated (A; older notation c.2727dupA).
Protein change: p.Val910fs; shifts the reading frame from valine 910.
Molecular consequence: frameshift variant. On other transcripts: non-coding transcript variant (1).
Genome position (GRCh38, 1-based): chr13:20,059,550, A duplicated. VCF-style (leftmost placement, unchanged base first): chr13-20059549-C-CA. GRCh37 (hg19) VCF-style: chr13-20633689-C-CA.
Other names: c.2727dup, p.Val910fs (NM_001190964.4, NM_001190965.4, NM_001353157.2 and 5 more transcripts); c.2532dup, p.Val845fs (NM_001353161.3); c.2466dup, p.Val823fs (NM_001353163.2); short protein forms V823fs, V845fs, V910fs.
Identifiers: ClinVar variation 2300685 (VCV002300685.2), dbSNP rs2503939649, ClinGen allele CA2580086782.

ClinVar aggregate classification (germline): Pathogenic (1 of 4 stars; one submission).

Conditions:
Inborn genetic diseases. Identifiers: MedGen C0950123, MeSH D030342.

Submission:

Ambry Genetics
Classification: Pathogenic for Inborn genetic diseases. Last evaluated: 2022-08-05. Review status: criteria provided, single submitter. Criteria: Ambry Variant Classification Scheme 2023. Collection method: clinical testing. Allele origin: germline.
Comment: The c.2727dupA (p.V910Sfs*19) alteration, located in exon 17 (coding exon 14) of the ZMYM2 gene, consists of a duplication of A at position 2727, causing a translational frameshift with a predicted alternate stop codon after 19 amino acids. This alteration is expected to result in loss of function by premature protein truncation or nonsense-mediated mRNA decay. This variant was not reported in population-based cohorts in the Genome Aggregation Database (gnomAD). Based on the available evidence, this alteration is classified as pathogenic.